The following is an entry in ClinVar:

ClinVar aggregate classification (germline): Likely benign. Review status: criteria provided, multiple submitters, no conflicts (2 of 4 stars). 3 submissions from 3 submitters: Likely benign (2). 1 of the submissions does not count toward it. Last evaluated 2025-07-31.

Conditions:
SCARB2-related disorder. Also called: SCARB2-related condition.
Progressive myoclonic epilepsy. Also called: Familial progressive myoclonic epilepsy; Myoclonus epilepsy; Progressive myoclonus epilepsy; Myoclonic Epilepsies, Progressive. Identifiers: Orphanet 308, Orphanet 98261, MedGen C0751778, MONDO:0020074.
Action myoclonus-renal failure syndrome. Also called: MYOCLONUS-NEPHROPATHY SYNDROME; SCARB2-Related Action Myoclonus-Renal Failure Syndrome; EPILEPSY, PROGRESSIVE MYOCLONIC, 4, WITH RENAL FAILURE; EPILEPSY, PROGRESSIVE MYOCLONIC, 4, WITHOUT RENAL FAILURE. Identifiers: Orphanet 163696, MedGen C0751779, MeSH D020191, MONDO:0009699, OMIM 254900.

Allele frequency attached by ClinVar (database versions not stated): gnomAD 0.00016; TOPMed 0.00020; ESP Exome Variant Server 0.00031.
gnomAD v4.1: 61 of 1,613,948 alleles (0.0038%); highest among the groups gnomAD compares: African/African-American, 0.076%; no homozygotes.

Submissions (3):

Labcorp Genetics (formerly Invitae), Labcorp
Classification: Likely benign for Progressive myoclonic epilepsy. Last evaluated: 2025-07-31. Review status: criteria provided, single submitter. Criteria: Invitae Variant Classification Sherloc (09022015). Collection method: clinical testing. Allele origin: germline.

Fulgent Genetics
Classification: Likely benign for Action myoclonus-renal failure syndrome. Last evaluated: 2022-04-19. Review status: criteria provided, single submitter. Criteria: ACMG Guidelines, 2015. Collection method: clinical testing. Allele origin: unknown.

PreventionGenetics, part of Exact Sciences
Classification: Likely benign for SCARB2-related condition. Last evaluated: 2022-12-15. Review status: no assertion criteria provided. Collection method: clinical testing. Allele origin: germline. Not counted in ClinVar's aggregate classification.
Comment: This variant is classified as likely benign based on ACMG/AMP sequence variant interpretation guidelines (Richards et al. 2015 PMID: 25741868, with internal and published modifications).

NM_005506.4(SCARB2):c.228C>T (p.Leu76=)

Gene: SCARB2 (scavenger receptor class B member 2; minus strand). Cytogenetic location: 4q21.1.
Variant type: single nucleotide variant.
Coding change: c.228C>T on transcript NM_005506.4 (MANE Select); coding-DNA position 228, C replaced by T.
Protein change: p.Leu76=; no amino-acid change (leucine 76 retained).
Molecular consequence: synonymous variant.
Genome position (GRCh38, 1-based): chr4:76,195,754, G>A on the plus strand (C>T on the coding strand, the complement: SCARB2 is on the minus strand). VCF-style: chr4-76195754-G-A. GRCh37 (hg19) VCF-style: chr4-77116907-G-A.
Other names: c.228C>T, p.Leu76= (NM_001204255.2).
Identifiers: ClinVar variation 462922 (VCV000462922.15), dbSNP rs35069772, ClinGen allele CA2970390.